The following is an entry in ClinVar:

ClinVar aggregate classification (germline): Likely pathogenic. Review status: criteria provided, multiple submitters, no conflicts (2 of 4 stars). 2 submissions from 2 submitters: Likely pathogenic (2). Last evaluated 2026-10-03.

Conditions:
FAM20C-related disorder. Also called: FAM20C-related condition.

Submissions (2):

GeneDx
Classification: Likely pathogenic. Last evaluated: 2026-10-03. Review status: criteria provided, single submitter. Criteria: GeneDx Variant Classification Process June 2021. Collection method: clinical testing. Allele origin: germline.
Comment: In silico analysis supports that this missense variant has a deleterious effect on protein structure/function; Not observed at significant frequency in large population cohorts (gnomAD); This variant is associated with the following publications: (PMID: 32093234, 33676444, 34360805, 37240249, 31297960)

PreventionGenetics, part of Exact Sciences
Classification: Likely pathogenic for FAM20C-related condition. Last evaluated: 2026-07-27. Review status: criteria provided, single submitter. Criteria: ACMG Guidelines, 2015. Collection method: clinical testing. Allele origin: germline.
Comment: The FAM20C c.1007T>G variant is predicted to result in the amino acid substitution p.Met336Arg. This variant has been reported in the homozygous state in two individuals with phenotypes consistent with Raine syndrome (Hung et al 2019. PubMed ID: 31297960; PreventionGenetics internal database). This variant has not been reported in a large population database (gnomAD), indicating it is rare. This variant is interpreted as likely pathogenic.

NM_020223.4(FAM20C):c.1007T>G (p.Met336Arg)

Gene: FAM20C (FAM20C golgi associated secretory pathway kinase; plus strand). Cytogenetic location: 7p22.3.
Variant type: single nucleotide variant.
Coding change: c.1007T>G on transcript NM_020223.4 (MANE Select); coding-DNA position 1007, T replaced by G.
Protein change: p.Met336Arg; replaces methionine 336 with arginine.
Molecular consequence: missense variant.
Genome position (GRCh38, 1-based): chr7:248,365, T>G. VCF-style: chr7-248365-T-G. GRCh37 (hg19) VCF-style: chr7-288331-T-G.
Other names: short protein forms M336R.
Identifiers: ClinVar variation 2635570 (VCV002635570.5), dbSNP rs2534710256, ClinGen allele CA366523967.
Genomic context (GRCh38, chr7:248,365, plus strand): 5'-TTCTTGCCAGGATCCTGGACTTCCGCCGGGTCCCTCCCGTGGCCGGCAGGATGGTCAACA[T>G]GACCAAGGAGATCCGGGACGTCACACGGGACAAGAAGCTCTGGAGGACCTTCTTCATCTC-3'
Protein context (NP_064608.2, residues 326-346): VPPVAGRMVN[Met336Arg]TKEIRDVTRD